The following is an entry in ClinVar:

ClinVar aggregate classification (germline): Uncertain significance (1 of 4 stars; one submission).

Conditions:
Multiple acyl-CoA dehydrogenase deficiency (MADD). Also called: ETHYLMALONIC-ADIPICACIDURIA; GA II; Glutaric Acidemia type 2; Glutaric aciduria, type 2; Glutaric acidemia type II; GA 2. Identifiers: Orphanet 26791, MedGen C0268596, MONDO:0009282, OMIM 231680.

Submission:

Labcorp Genetics (formerly Invitae), Labcorp
Classification: Uncertain significance for Multiple acyl-CoA dehydrogenase deficiency. Last evaluated: 2021-08-18. Review status: criteria provided, single submitter. Criteria: Invitae Variant Classification Sherloc (09022015). Collection method: clinical testing. Allele origin: germline.
Comment: This sequence change replaces isoleucine with valine at codon 87 of the ETFB protein (p.Ile87Val). The isoleucine residue is moderately conserved and there is a small physicochemical difference between isoleucine and valine. This variant is not present in population databases (ExAC no frequency). This variant has not been reported in the literature in individuals affected with ETFB-related conditions. Algorithms developed to predict the effect of missense changes on protein structure and function (SIFT, PolyPhen-2, Align-GVGD) all suggest that this variant is likely to be tolerated. In summary, the available evidence is currently insufficient to determine the role of this variant in disease. Therefore, it has been classified as a Variant of Uncertain Significance.

NM_001985.3(ETFB):c.259A>G (p.Ile87Val)

Gene: ETFB (electron transfer flavoprotein subunit beta; minus strand). Cytogenetic location: 19q13.41.
Variant type: single nucleotide variant.
Coding change: c.259A>G on transcript NM_001985.3 (MANE Select); coding-DNA position 259, A replaced by G.
Protein change: p.Ile87Val; replaces isoleucine 87 with valine.
Molecular consequence: missense variant.
Genome position (GRCh38, 1-based): chr19:51,353,248, T>C on the plus strand (A>G on the coding strand, the complement: ETFB is on the minus strand). VCF-style: chr19-51353248-T-C. GRCh37 (hg19) VCF-style: chr19-51856502-T-C.
Other names: c.532A>G, p.Ile178Val (NM_001014763.1); short protein forms I178V, I87V.
Identifiers: ClinVar variation 1375898 (VCV001375898.6), dbSNP rs2123587270, ClinGen allele CA407082658.